The following is an entry in ClinVar:

NM_004168.4(SDHA):c.869T>C (p.Leu290Pro)

Gene: SDHA (succinate dehydrogenase complex flavoprotein subunit A; plus strand). Cytogenetic location: 5p15.33.
Variant type: single nucleotide variant.
Coding change: c.869T>C on transcript NM_004168.4 (MANE Select); coding-DNA position 869, T replaced by C.
Protein change: p.Leu290Pro; replaces leucine 290 with proline.
Molecular consequence: missense variant.
Genome position (GRCh38, 1-based): chr5:230,974, T>C. VCF-style: chr5-230974-T-C. GRCh37 (hg19) VCF-style: chr5-231089-T-C.
Other names: c.725T>C, p.Leu242Pro (NM_001294332.2); c.869T>C, p.Leu290Pro (NM_001330758.2); short protein forms L242P, L290P.
Identifiers: ClinVar variation 847930 (VCV000847930.16), dbSNP rs1333787672, ClinGen allele CA359011959.
Genomic context (GRCh38, chr5:230,974, plus strand): 5'-ACACCAGCACTGGCGACGGCACGGCCATGATCACCAGGGCAGGCCTTCCTTGCCAGGACC[T>C]AGAGTTTGTTCAGTTCCACCCTACAGGTAGGGCAGGACGCCTTGCCCGGCAGGTGTTTGG-3'
Protein context (NP_004159.2, residues 280-300): ITRAGLPCQD[Leu290Pro]EFVQFHPTGI

ClinVar aggregate classification (germline): Uncertain significance. Review status: criteria provided, multiple submitters, no conflicts (2 of 4 stars). 4 submissions from 4 submitters: Uncertain significance (4). Last evaluated 2025-08-09.

Conditions:
Pheochromocytoma/paraganglioma syndrome 5. Also called: Paragangliomas 5; SDHA-Related Hereditary Paraganglioma-Pheochromocytoma Syndrome. Identifiers: Orphanet 29072, MedGen C3279992, MONDO:0013602, OMIM 614165.
Mitochondrial complex II deficiency, nuclear type 1. Also called: SUCCINATE CoQ REDUCTASE DEFICIENCY. Identifiers: Orphanet 3208, MedGen C5700310, MONDO:0100294, OMIM 252011.
Hereditary cancer-predisposing syndrome. Also called: Tumor predisposition; Hereditary neoplastic syndrome; Neoplastic Syndromes, Hereditary; Hereditary Cancer Syndrome. Identifiers: Orphanet 140162, MedGen C0027672, MeSH D009386, MONDO:0015356.
Dilated cardiomyopathy 1GG (CMD1GG). Identifiers: Orphanet 154, MedGen C3150898, MONDO:0013339, OMIM 613642.

Allele frequency attached by ClinVar (database versions not stated): gnomAD 0.00001; gnomAD exomes 0.00001 and 0.00002.

Submissions (4):

Ambry Genetics
Classification: Uncertain significance for Hereditary cancer-predisposing syndrome. Last evaluated: 2025-08-09. Review status: criteria provided, single submitter. Criteria: Ambry Variant Classification Scheme 2023. Collection method: clinical testing. Allele origin: germline.
Comment: The p.L290P variant (also known as c.869T>C), located in coding exon 7 of the SDHA gene, results from a T to C substitution at nucleotide position 869. The leucine at codon 290 is replaced by proline, an amino acid with similar properties. This amino acid position is highly conserved in available vertebrate species. In addition, this alteration is predicted to be deleterious by in silico analysis. Since supporting evidence is limited at this time, the clinical significance of this alteration remains unclear.

Labcorp Genetics (formerly Invitae), Labcorp
Classification: Uncertain significance for Pheochromocytoma/paraganglioma syndrome 5; Mitochondrial complex II deficiency, nuclear type 1. Last evaluated: 2025-05-05. Review status: criteria provided, single submitter. Criteria: Invitae Variant Classification Sherloc (09022015). Collection method: clinical testing. Allele origin: germline.
Comment: This sequence change replaces leucine, which is neutral and non-polar, with proline, which is neutral and non-polar, at codon 290 of the SDHA protein (p.Leu290Pro). This variant is present in population databases (no rsID available, gnomAD 0.01%). This missense change has been observed in individual(s) with acromegaly (PMID: 38745824). ClinVar contains an entry for this variant (Variation ID: 847930). Invitae Evidence Modeling of protein sequence and biophysical properties (such as structural, functional, and spatial information, amino acid conservation, physicochemical variation, residue mobility, and thermodynamic stability) indicates that this missense variant is not expected to disrupt SDHA protein function with a negative predictive value of 95%. In summary, the available evidence is currently insufficient to determine the role of this variant in disease. Therefore, it has been classified as a Variant of Uncertain Significance.

GeneDx
Classification: Uncertain significance. Last evaluated: 2024-01-28. Review status: criteria provided, single submitter. Criteria: GeneDx Variant Classification Process June 2021. Collection method: clinical testing. Allele origin: germline. Affected: yes.
Comment: Not observed at significant frequency in large population cohorts (gnomAD); In silico analysis supports that this missense variant has a deleterious effect on protein structure/function; Has not been previously published as pathogenic or benign to our knowledge

Baylor Genetics
Classification: Uncertain significance for Dilated cardiomyopathy 1GG. Last evaluated: 2023-05-26. Review status: criteria provided, single submitter. Criteria: ACMG Guidelines, 2015. Collection method: clinical testing. Allele origin: unknown.

Literature cited by the submitters: PubMed 38745824 (cited by Labcorp Genetics (formerly Invitae), Labcorp).